The following is an entry in ClinVar:

ClinVar aggregate classification (germline): Uncertain significance (1 of 4 stars; one submission).

Conditions:
Autosomal recessive mendelian susceptibility to mycobacterial diseases due to complete RORgamma receptor deficiency. Also called: Immunodeficiency 42. Identifiers: Orphanet 477857, MedGen C5567647, MONDO:0014710, OMIM 616622.

Submission:

Labcorp Genetics (formerly Invitae), Labcorp
Classification: Uncertain significance for Autosomal recessive mendelian susceptibility to mycobacterial diseases due to complete RORgamma receptor deficiency. Last evaluated: 2022-04-16. Review status: criteria provided, single submitter. Criteria: Invitae Variant Classification Sherloc (09022015). Collection method: clinical testing. Allele origin: germline.
Comment: This variant results in a copy number gain of the genomic region encompassing exon(s) 1-2 of the RORC gene. This region includes the initiator codon of the gene. This copy number gain extends beyond the assayed region for this gene and therefore may encompass additional genes. As the precise location of this event is unknown, it may be in tandem or it may be located elsewhere in the genome. This variant has not been reported in the literature in individuals affected with RORC-related conditions. Experimental studies and prediction algorithms are not available or were not evaluated, and the functional significance of this variant is currently unknown. In summary, the available evidence is currently insufficient to determine the role of this variant in disease. Therefore, it has been classified as a Variant of Uncertain Significance.

NC_000001.10:g.(?_151801885)_(152287932_?)dup

Genes: C2CD4D (C2 calcium dependent domain containing 4D; minus strand), FLG (filaggrin; minus strand), HRNR (hornerin; minus strand), RORC (RAR related orphan receptor C; minus strand), RPTN (repetin; minus strand) and 6 more. Cytogenetic location: 1q21.3.
Variant type: Duplication.
Identifiers: ClinVar variation 2425291 (VCV002425291.4).